The following is an entry in ClinVar:

ClinVar aggregate classification (germline): Uncertain significance (1 of 4 stars; one submission).

Conditions:
Tuberous sclerosis 2 (TSC2). Identifiers: Orphanet 805, MedGen C1860707, MONDO:0013199, OMIM 613254.

Submission:

Labcorp Genetics (formerly Invitae), Labcorp
Classification: Uncertain significance for Tuberous sclerosis 2. Last evaluated: 2023-05-08. Review status: criteria provided, single submitter. Criteria: Invitae Variant Classification Sherloc (09022015). Collection method: clinical testing. Allele origin: germline.
Comment: This sequence change replaces histidine, which is basic and polar, with leucine, which is neutral and non-polar, at codon 1611 of the TSC2 protein (p.His1611Leu). This variant is not present in population databases (gnomAD no frequency). This variant has not been reported in the literature in individuals affected with TSC2-related conditions. Advanced modeling of protein sequence and biophysical properties (such as structural, functional, and spatial information, amino acid conservation, physicochemical variation, residue mobility, and thermodynamic stability) has been performed at Invitae for this missense variant, however the output from this modeling did not meet the statistical confidence thresholds required to predict the impact of this variant on TSC2 protein function. In summary, the available evidence is currently insufficient to determine the role of this variant in disease. Therefore, it has been classified as a Variant of Uncertain Significance.

NM_000548.5(TSC2):c.4832A>T (p.His1611Leu)

Gene: TSC2 (TSC complex subunit 2; plus strand). Cytogenetic location: 16p13.3.
Variant type: single nucleotide variant.
Coding change: c.4832A>T on transcript NM_000548.5 (MANE Select); coding-DNA position 4832, A replaced by T.
Protein change: p.His1611Leu; replaces histidine 1611 with leucine.
Molecular consequence: missense variant. On other transcripts: non-coding transcript variant (5).
Genome position (GRCh38, 1-based): chr16:2,086,362, A>T. VCF-style: chr16-2086362-A-T. GRCh37 (hg19) VCF-style: chr16-2136363-A-T.
Other names: c.4631A>T, p.His1544Leu (NM_001077183.3); c.4763A>T, p.His1588Leu (NM_001114382.3); c.4523A>T, p.His1508Leu (NM_001318827.2); c.4487A>T, p.His1496Leu (NM_001318829.2); c.4100A>T, p.His1367Leu (NM_001318831.2); c.4664A>T, p.His1555Leu (NM_001318832.2); c.4634A>T, p.His1545Leu (NM_001363528.2); c.4700A>T, p.His1567Leu (NM_001370404.1); and 26 more; short protein forms H1010L, H1096L, H1140L, H1551L, H1555L, H1568L, H1575L, H1097L.
Identifiers: ClinVar variation 2862615 (VCV002862615.3), dbSNP rs2151576229, ClinGen allele CA394308122.